The following is an entry in ClinVar:

ClinVar aggregate classification (germline): Benign (3 of 4 stars; one submission).

Conditions:
Breast-ovarian cancer, familial, susceptibility to, 2 (BROVCA2). Also called: BRCA2 Hereditary Breast and Ovarian Cancer. Identifiers: Orphanet 145, MedGen C2675520, MONDO:0012933, OMIM 612555. Disease mechanism: loss of function.

Submission:

Evidence-based Network for the Interpretation of Germline Mutant Alleles (ENIGMA)
Classification: Benign for Breast-ovarian cancer, familial 2. Last evaluated: 2015-01-12. Review status: reviewed by expert panel. Criteria: ENIGMA BRCA1/2 Classification Criteria (2015). Collection method: curation. Allele origin: germline.
Comment: Class 1 not pathogenic based on frequency >1% in an outbred sampleset. Frequency 0.03 (African), derived from 1000 genomes (2012-04-30).

NM_000059.4(BRCA2):c.7007+1173_7007+1175del

Gene: BRCA2 (BRCA2 DNA repair associated; plus strand). Cytogenetic location: 13q13.1.
Variant type: Deletion.
Coding change: c.7007+1173_7007+1175del on transcript NM_000059.4 (MANE Select); bases 1173 to 1175 of the intron after coding-DNA position 7007, 3 bases deleted (GAA; older notation c.7007+1173_7007+1175delGAA).
Molecular consequence: intron variant.
Genome position (GRCh38, 1-based): chr13:32,348,069-32,348,071, GAA deleted; deleting any 3 consecutive bases within chr13:32,348,067-32,348,071 gives the same sequence; the c. name uses the placement nearest the transcript's 3' end. VCF-style (leftmost placement, unchanged base first): chr13-32348066-TAAG-T. GRCh37 (hg19) VCF-style: chr13-32922203-TAAG-T.
Other names: IVS 13+1171del3.
Identifiers: ClinVar variation 209726 (VCV000209726.1), dbSNP rs199645879, ClinGen allele CA276694.